The following is an entry in ClinVar:

ClinVar aggregate classification (germline): Uncertain significance. Review status: reviewed by expert panel (3 of 4 stars). 18 submissions from 18 submitters: Uncertain significance (1). 17 of the submissions do not count toward it. Last evaluated 2021-06-16.

Conditions:
Cardiovascular phenotype. Identifiers: MedGen CN230736.
Cardiomyopathy (CMYO). Also called: Cardiomyopathies. Identifiers: Orphanet 167848, MedGen C0878544, MONDO:0004994, HP:0001638. Inheritance: Various modes of inheritance.
Hypertrophic cardiomyopathy 1 (CMH1). Also called: Familial hypertrophic cardiomyopathy 1; MYH7-Related Familial Hypertrophic Cardiomyopathy. Identifiers: MedGen C3495498, MONDO:0008647, OMIM 192600.
Dilated cardiomyopathy 1S (CMD1S). Identifiers: Orphanet 154, Orphanet 54260, MedGen C1834481, MONDO:0013262, OMIM 613426.
Primary dilated cardiomyopathy (DCM). Also called: Dilated Cardiomyopathy. Identifiers: Orphanet 217604, MedGen C0007193, MeSH D002311, MONDO:0005021, HP:0001644. Inheritance: Various modes of inheritance.
Hypertrophic cardiomyopathy. Also called: HYPERTROPHIC MYOCARDIOPATHY. Identifiers: Orphanet 217569, MedGen C0007194, MeSH D002312, MONDO:0005045, HP:0001639.

Allele frequency attached by ClinVar (database versions not stated): ExAC 0.00002; gnomAD exomes 0.00003; TOPMed 0.00004; gnomAD 0.00005 and 0.00006; ESP Exome Variant Server 0.00008.

Submissions 1 to 8 of 18:

ClinGen Cardiomyopathy Variant Curation Expert Panel
Classification: Uncertain significance for Hypertrophic cardiomyopathy. Last evaluated: 2021-06-16. Review status: reviewed by expert panel. Criteria: ClinGen CMP ACMG Specifications v1. Collection method: curation. Allele origin: germline. Inheritance: Autosomal dominant inheritance.
Comment: The c.4210G>A (p.Val1404Met) variant in MYH7 has been identified in 3 individuals with HCM (Wang 2014 PMID:25132132; Invitae pers. comm.) and also segregated in 1 affected relative with HCM (Invitae pers. comm.); however this data is currently insufficient to apply PP1. Of note, 1 of the 2 affected individuals from Invitae also carried a splice variant in MYBPC3 and was in their mid 20s at the time of testing. This variant was identified in 0.004% (FAF 95% CI; 9/129152) of European chromosomes by gnomAD v2.1.1. Since the MYH7 specifications state that PS4 is only applicable if the variant is absent or rare in large population studies, the PS4 criterion was not applied (Kelly 2018 PMID:29300372). Computational prediction tools and conservation analysis were mixed about the potential impact of this variant. In summary, due to insufficient evidence, this variant meets criteria to be classified as uncertain significance for hypertrophic cardiomyopathy in an autosomal dominant manner. MYH7-specific ACMG/AMP criteria applied (Kelly 2018 PMID:29300372): none.

Labcorp Genetics (formerly Invitae), Labcorp
Classification: Uncertain significance for Hypertrophic cardiomyopathy. Last evaluated: 2026-02-01. Review status: criteria provided, single submitter. Criteria: Invitae Variant Classification Sherloc (09022015). Collection method: clinical testing. Allele origin: germline. Not counted in ClinVar's aggregate classification.
Comment: This sequence change replaces valine, which is neutral and non-polar, with methionine, which is neutral and non-polar, at codon 1404 of the MYH7 protein (p.Val1404Met). This variant is present in population databases (rs371552806, gnomAD 0.006%). This missense change has been observed in individual(s) with dilated cardiomyopathy and/or hypertrophic cardiomyopathy (PMID: 25132132, 27247418, 30847666, 32880476, 37904629). ClinVar contains an entry for this variant (Variation ID: 42999). Invitae Evidence Modeling of protein sequence and biophysical properties (such as structural, functional, and spatial information, amino acid conservation, physicochemical variation, residue mobility, and thermodynamic stability) indicates that this missense variant is expected to disrupt MYH7 protein function with a positive predictive value of 95%. In summary, the available evidence is currently insufficient to determine the role of this variant in disease. Therefore, it has been classified as a Variant of Uncertain Significance.

Color Diagnostics, LLC DBA Color Health
Classification: Uncertain significance for Cardiomyopathy. Last evaluated: 2025-11-05. Review status: criteria provided, single submitter. Criteria: ACMG Guidelines, 2015. Collection method: clinical testing. Allele origin: germline. Not counted in ClinVar's aggregate classification.
Comment: This missense variant replaces valine with methionine at codon 1404 of the MYH7 protein. Computational prediction tools indicate that this variant has a deleterious impact on protein structure and function. To our knowledge, functional studies have not been reported for this variant. This variant has been reported in two individuals affected with hypertrophic cardiomyopathy (PMID: 25132132, 30847666). One of these individuals also carried an additional likely pathogenic variant in the same gene (PMID: 30847666). This variant has been reported in two individuals affected with dilated cardiomyopathy (PMID: 32880476, 37904629). This variant has been identified in 100/1612932 chromosomes in the general population by the Genome Aggregation Database (gnomAD). The available evidence is insufficient to determine the role of this variant in disease conclusively. Therefore, this variant is classified as a Variant of Uncertain Significance.

Molecular Diagnostic Laboratory for Inherited Cardiovascular Disease, Montreal Heart Institute
Classification: Uncertain significance for Cardiovascular phenotype. Last evaluated: 2025-04-09. Review status: criteria provided, single submitter. Criteria: ACMG Guidelines, 2015. Collection method: clinical testing. Allele origin: germline. Affected: yes. Not counted in ClinVar's aggregate classification.
Comment: PP3

Mayo Clinic Laboratories, Mayo Clinic
Classification: Uncertain significance. Last evaluated: 2025-03-25. Review status: criteria provided, single submitter. Criteria: ACMG Guidelines, 2015. Collection method: clinical testing. Allele origin: germline. Observed: 1 variant allele. Not counted in ClinVar's aggregate classification.
Comment: the same text as in the submission from Molecular Diagnostic Laboratory for Inherited Cardiovascular Disease, Montreal Heart Institute above.

Blueprint Genetics
Classification: Uncertain significance. Last evaluated: 2024-09-16. Review status: criteria provided, single submitter. Criteria: ACMG Guidelines, 2015. Collection method: clinical testing. Allele origin: germline. Not counted in ClinVar's aggregate classification.

All of Us Research Program, National Institutes of Health
Classification: Uncertain significance for Cardiomyopathy. Last evaluated: 2024-07-10. Review status: criteria provided, single submitter. Criteria: ACMG Guidelines, 2015. Collection method: clinical testing. Allele origin: germline. Inheritance: Autosomal dominant inheritance. Observed: 16 variant alleles, 16 heterozygotes. Not counted in ClinVar's aggregate classification.
Comment: This missense variant replaces valine with methionine at codon 1404 of the MYH7 protein. Computational prediction tools indicate that this variant has a deleterious impact on protein structure and function. To our knowledge, functional studies have not been reported for this variant. This variant has been reported in two individuals affected with hypertrophic cardiomyopathy (PMID: 25132132, 30847666); one of these individuals also carried an additional likely pathogenic variant in the same gene (PMID: 30847666). This variant has also been reported in two individuals affected with dilated cardiomyopathy (PMID: 32880476, 37904629). This variant has been identified in 10/282824 chromosomes in the general population by the Genome Aggregation Database (gnomAD). The available evidence is insufficient to determine the role of this variant in disease conclusively. Therefore, this variant is classified as a Variant of Uncertain Significance.

This study involves interpretation of variants in research participants for the purpose of population health screening. Participant phenotype was not available at the time of variant classification. Additional details can be found in publication PMID: 35346344, PMCID: PMC8962531

Victorian Clinical Genetics Services, Murdoch Childrens Research Institute
Classification: Uncertain significance for Hypertrophic cardiomyopathy 1. Last evaluated: 2023-07-17. Review status: criteria provided, single submitter. Criteria: ACMG Guidelines, 2015. Collection method: clinical testing. Allele origin: germline. Inheritance: Autosomal dominant inheritance. Affected: yes. Not counted in ClinVar's aggregate classification.
Comment: Based on the classification scheme VCGS_Germline_v1.3.4, this variant is classified as VUS-3B. Following criteria are met: 0105 - The mechanism of disease for this gene is not clearly established; however, missense variants have been proposed to act in a dominant negative manner (PMID: 24714796). (I) 0108 - This gene is associated with both recessive and dominant disease. Disease associated with this gene usually has autosomal dominant inheritance; however, a recessive inheritance pattern has been observed in severe cases (OMIM). (I) 0112 - The condition associated with this gene has incomplete penetrance (PMID: 29300372). (I) 0200 - Variant is predicted to result in a missense amino acid change from valine to methionine. (I) 0251 - This variant is heterozygous. (I) 0304 - Variant is present in gnomAD (v2) <0.01 (10 heterozygotes, 0 homozygotes). (SP) 0502 - Missense variant with conflicting in silico predictions and uninformative conservation. (I) 0600 - Variant is located in the annotated myosin tail 1 domain (DECIPHER). (I) 0705 - No comparable missense variants have previous evidence for pathogenicity. (I) 0809 - Previous evidence of pathogenicity for this variant is inconclusive. This variant has been classified as a VUS by an expert panel, and has been observed and classified as a VUS in multiple individuals with DCM and HCM (ClinVar, PMID: 29687901, 27247418, 30847666, 25132132, 24215330, 32880476). (I) 0905 - No published segregation evidence has been identified for this variant. (I) 1007 - No published functional evidence has been identified for this variant. (I) 1208 - Inheritance information for this variant is not currently available in this individual. (I) Legend: (SP) - Supporting pathogenic, (I) - Information, (SB) - Supporting benign

NM_000257.4(MYH7):c.4210G>A (p.Val1404Met)

Gene: MYH7 (myosin heavy chain 7; minus strand). Cytogenetic location: 14q11.2.
Variant type: single nucleotide variant.
Coding change: c.4210G>A on transcript NM_000257.4 (MANE Select); coding-DNA position 4210, G replaced by A.
Protein change: p.Val1404Met; replaces valine 1404 with methionine.
Molecular consequence: missense variant.
Genome position (GRCh38, 1-based): chr14:23,417,646, C>T on the plus strand (G>A on the coding strand, the complement: MYH7 is on the minus strand). VCF-style: chr14-23417646-C-T. GRCh37 (hg19) VCF-style: chr14-23886855-C-T.
Other names: NM_000257.4(MYH7):c.4210G>A; short protein forms V1404M.
Identifiers: ClinVar variation 42999 (VCV000042999.47), dbSNP rs371552806, ClinGen allele CA014652.
Genomic context (GRCh38, chr14:23,417,646, plus strand): 5'-CATTCTGTAGCCGGTGCTTGGTCTTCTCCAGCGAGGAGCACTTGGCATTAACAGCCTCCA[C>T]GGCCTCCTCAGCTTCCTGCAGCCGCTGGGCCAGCTTCTTCCTGCCCAGGGGAGGGTGGCA-3'
Protein context (NP_000248.2, residues 1394-1414): AQRLQEAEEA[Val1404Met]EAVNAKCSSL